The following is an entry in ClinVar:

ClinVar aggregate classification (germline): Uncertain significance (1 of 4 stars; one submission).

gnomAD v4.1: 3 of 1,613,608 alleles (0.00019%); highest among the groups gnomAD compares: East Asian, 0.0022%; no homozygotes.

Submission:

Labcorp Genetics (formerly Invitae), Labcorp
Classification: Uncertain significance. Last evaluated: 2024-04-25. Review status: criteria provided, single submitter. Criteria: Invitae Variant Classification Sherloc (09022015). Collection method: clinical testing. Allele origin: germline.
Comment: This sequence change replaces glutamine, which is neutral and polar, with histidine, which is basic and polar, at codon 151 of the DCHS1 protein (p.Gln151His). This variant is not present in population databases (gnomAD no frequency). This variant has not been reported in the literature in individuals affected with DCHS1-related conditions. Advanced modeling of protein sequence and biophysical properties (such as structural, functional, and spatial information, amino acid conservation, physicochemical variation, residue mobility, and thermodynamic stability) performed at Invitae indicates that this missense variant is not expected to disrupt DCHS1 protein function with a negative predictive value of 95%. In summary, the available evidence is currently insufficient to determine the role of this variant in disease. Therefore, it has been classified as a Variant of Uncertain Significance.

NM_003737.4(DCHS1):c.453G>C (p.Gln151His)

Gene: DCHS1 (dachsous cadherin-related 1; minus strand). Cytogenetic location: 11p15.4.
Variant type: single nucleotide variant.
Coding change: c.453G>C on transcript NM_003737.4 (MANE Select); coding-DNA position 453, G replaced by C.
Protein change: p.Gln151His; replaces glutamine 151 with histidine.
Molecular consequence: missense variant.
Genome position (GRCh38, 1-based): chr11:6,641,161, C>G on the plus strand (G>C on the coding strand, the complement: DCHS1 is on the minus strand). VCF-style: chr11-6641161-C-G. GRCh37 (hg19) VCF-style: chr11-6662392-C-G.
Other names: short protein forms Q151H.
Identifiers: ClinVar variation 3634159 (VCV003634159.2).